The following is an entry in ClinVar:

ClinVar aggregate classification (germline): Uncertain significance (1 of 4 stars; one submission).

Conditions:
Joubert syndrome 21 (JBTS21). Identifiers: MedGen C3810212, MONDO:0014288, OMIM 615636.

Allele frequency attached by ClinVar (database versions not stated): gnomAD exomes 0.00001; gnomAD 0.00002; ExAC 0.00005; 1000 Genomes Project 30x 0.00016; 1000 Genomes Project 0.00020.
gnomAD v4.1: 12 of 1,509,250 alleles (0.0008%); highest among the groups gnomAD compares: East Asian, 0.028%; no homozygotes.

Submission:

Labcorp Genetics (formerly Invitae), Labcorp
Classification: Uncertain significance for Joubert syndrome 21. Last evaluated: 2022-05-05. Review status: criteria provided, single submitter. Criteria: Invitae Variant Classification Sherloc (09022015). Collection method: clinical testing. Allele origin: germline.
Comment: In summary, the available evidence is currently insufficient to determine the role of this variant in disease. Therefore, it has been classified as a Variant of Uncertain Significance. Variants that disrupt the consensus splice site are a relatively common cause of aberrant splicing (PMID: 17576681, 9536098). Algorithms developed to predict the effect of sequence changes on RNA splicing suggest that this variant is not likely to affect RNA splicing. This variant has not been reported in the literature in individuals affected with CSPP1-related conditions. This variant is present in population databases (rs550316751, gnomAD 0.06%). This sequence change falls in intron 15 of the CSPP1 gene. It does not directly change the encoded amino acid sequence of the CSPP1 protein. It affects a nucleotide within the consensus splice site.

Literature cited by the submitters: PubMed 17576681; PubMed 9536098.

NM_001382391.1(CSPP1):c.1975+6T>C

Gene: CSPP1 (centrosome and spindle pole associated protein 1; plus strand). Cytogenetic location: 8q13.2.
Variant type: single nucleotide variant.
Coding change: c.1975+6T>C on transcript NM_001382391.1 (MANE Select); 6 bases into the intron after coding-DNA position 1975, T replaced by C.
Molecular consequence: intron variant.
Genome position (GRCh38, 1-based): chr8:67,137,609, T>C. VCF-style: chr8-67137609-T-C. GRCh37 (hg19) VCF-style: chr8-68049844-T-C.
Other names: c.1933+6T>C (NM_001363132.2); c.1894+6T>C (NM_001363131.2); c.1852+6T>C (NM_001363133.2); c.2041+6T>C (NM_001364869.1); c.1960+6T>C (NM_024790.7, NM_001438331.1, NM_001438330.1); c.1861+6T>C (NM_001364870.1); c.1429+6T>C (NM_001438332.1); c.1078+6T>C (NM_001291339.2).
Identifiers: ClinVar variation 1967403 (VCV001967403.3), dbSNP rs550316751, ClinGen allele CA4770698.